The following is an entry in ClinVar:

NM_002227.4(JAK1):c.1531G>A (p.Gly511Ser)

Gene: JAK1 (Janus kinase 1; minus strand). Cytogenetic location: 1p31.3.
Variant type: single nucleotide variant.
Coding change: c.1531G>A on transcript NM_002227.4 (MANE Select); coding-DNA position 1531, G replaced by A.
Protein change: p.Gly511Ser; replaces glycine 511 with serine.
Molecular consequence: missense variant.
Genome position (GRCh38, 1-based): chr1:64,855,626, C>T on the plus strand (G>A on the coding strand, the complement: JAK1 is on the minus strand). VCF-style: chr1-64855626-C-T. GRCh37 (hg19) VCF-style: chr1-65321309-C-T.
Other names: c.1531G>A, p.Gly511Ser (NM_001320923.2, NM_001321852.2, NM_001321853.2 and 3 more transcripts); c.1528G>A, p.Gly510Ser (NM_001321857.2); short protein forms G511S, G510S.
Identifiers: ClinVar variation 2124729 (VCV002124729.4), dbSNP rs769973166, ClinGen allele CA892903.

ClinVar aggregate classification (germline): Uncertain significance (1 of 4 stars; one submission).

Allele frequency attached by ClinVar (database versions not stated): gnomAD exomes below 0.00001; TOPMed below 0.00001; ExAC 0.00001; gnomAD 0.00001.

Submission:

Labcorp Genetics (formerly Invitae), Labcorp
Classification: Uncertain significance. Last evaluated: 2023-04-27. Review status: criteria provided, single submitter. Criteria: Invitae Variant Classification Sherloc (09022015). Collection method: clinical testing. Allele origin: germline.
Comment: This variant has not been reported in the literature in individuals affected with JAK1-related conditions. In summary, the available evidence is currently insufficient to determine the role of this variant in disease. Therefore, it has been classified as a Variant of Uncertain Significance. Advanced modeling of protein sequence and biophysical properties (such as structural, functional, and spatial information, amino acid conservation, physicochemical variation, residue mobility, and thermodynamic stability) performed at Invitae indicates that this missense variant is not expected to disrupt JAK1 protein function. ClinVar contains an entry for this variant (Variation ID: 2124729). This variant is present in population databases (rs769973166, gnomAD 0.003%). This sequence change replaces glycine, which is neutral and non-polar, with serine, which is neutral and polar, at codon 511 of the JAK1 protein (p.Gly511Ser).